The following is an entry in ClinVar:

ClinVar aggregate classification (germline): Uncertain significance. Review status: criteria provided, multiple submitters, no conflicts (2 of 4 stars). 2 submissions from 2 submitters: Uncertain significance (2). Last evaluated 2025-11-20.

Conditions:
Regional enteritis. Also called: Enteritis, Granulomatous. Identifiers: MedGen C0678202, MeSH D003424.
Blau syndrome (BLAUS). Also called: ARTHROCUTANEOUVEAL GRANULOMATOSIS; JABS SYNDROME; GRANULOMATOSIS, FAMILIAL JUVENILE SYSTEMIC; GRANULOMATOSIS, FAMILIAL, BLAU TYPE; GRANULOMATOUS INFLAMMATORY ARTHRITIS, DERMATITIS, AND UVEITIS, FAMILIAL. Identifiers: Orphanet 90340, MedGen C5201146, MONDO:0008523, OMIM 186580.
Inborn genetic diseases. Identifiers: MedGen C0950123, MeSH D030342.

Allele frequency attached by ClinVar (database versions not stated): gnomAD exomes 0.00003; ExAC 0.00005.
gnomAD v4.1: 18 of 1,612,998 alleles (0.0011%); highest among the groups gnomAD compares: Middle Eastern, 0.016%; no homozygotes.

Submissions (2):

Labcorp Genetics (formerly Invitae), Labcorp
Classification: Uncertain significance for Regional enteritis; Blau syndrome. Last evaluated: 2025-11-20. Review status: criteria provided, single submitter. Criteria: Invitae Variant Classification Sherloc (09022015). Collection method: clinical testing. Allele origin: germline.
Comment: This sequence change replaces arginine, which is basic and polar, with histidine, which is basic and polar, at codon 703 of the NOD2 protein (p.Arg703His). This variant is present in population databases (rs750096604, gnomAD 0.02%). This variant has not been reported in the literature in individuals affected with NOD2-related conditions. ClinVar contains an entry for this variant (Variation ID: 1416067). Invitae Evidence Modeling of protein sequence and biophysical properties (such as structural, functional, and spatial information, amino acid conservation, physicochemical variation, residue mobility, and thermodynamic stability) has been performed for this missense variant. However, the output from this modeling did not meet the statistical confidence thresholds required to predict the impact of this variant on NOD2 protein function. In summary, the available evidence is currently insufficient to determine the role of this variant in disease. Therefore, it has been classified as a Variant of Uncertain Significance.

Ambry Genetics
Classification: Uncertain significance for Inborn genetic diseases. Last evaluated: 2021-08-16. Review status: criteria provided, single submitter. Criteria: Ambry Variant Classification Scheme 2023. Collection method: clinical testing. Allele origin: germline.

NM_001370466.1(NOD2):c.2027G>A (p.Arg676His)

Gene: NOD2 (nucleotide binding oligomerization domain containing 2; plus strand). Cytogenetic location: 16q12.1.
Variant type: single nucleotide variant.
Coding change: c.2027G>A on transcript NM_001370466.1 (MANE Select); coding-DNA position 2027, G replaced by A.
Protein change: p.Arg676His; replaces arginine 676 with histidine.
Molecular consequence: missense variant. On other transcripts: non-coding transcript variant (1).
Genome position (GRCh38, 1-based): chr16:50,712,019, G>A. VCF-style: chr16-50712019-G-A. GRCh37 (hg19) VCF-style: chr16-50745930-G-A.
Other names: c.2027G>A, p.Arg676His (NM_001293557.2); c.2108G>A, p.Arg703His (NM_022162.3); c.2108G>A (NM_022162.1); short protein forms R676H, R703H.
Identifiers: ClinVar variation 1416067 (VCV001416067.7), dbSNP rs750096604, ClinGen allele CA8051694.